The following is an entry in ClinVar:

ClinVar aggregate classification (germline): Benign/Likely benign. Review status: criteria provided, multiple submitters, no conflicts (2 of 4 stars). 2 submissions from 2 submitters: Benign (1); Likely benign (1). Last evaluated 2024-11-22.

Conditions:
Cornelia de Lange syndrome 1 (CDLS1). Also called: TYPUS DEGENERATIVUS AMSTELODAMENSIS; NIPBL-Related Cornelia de Lange Syndrome; Brachmann de Lange syndrome. Identifiers: Orphanet 199, MedGen C4551851, MONDO:0007387, OMIM 122470.

Allele frequency attached by ClinVar (database versions not stated): TOPMed 0.00012; gnomAD 0.00013; 1000 Genomes Project 30x 0.00500; 1000 Genomes Project 0.00519.
gnomAD v4.1: 165 of 393,900 alleles (0.042%); highest among the groups gnomAD compares: South Asian, 2%; 3 homozygotes.

Submissions (2):

Blueprint Genetics
Classification: Likely benign. Last evaluated: 2024-11-22. Review status: criteria provided, single submitter. Criteria: ACMG Guidelines, 2015. Collection method: clinical testing. Allele origin: germline.

Illumina Laboratory Services, Illumina
Classification: Benign for Cornelia de Lange syndrome 1. Last evaluated: 2018-01-13. Review status: criteria provided, single submitter. Criteria: ICSL Variant Classification Criteria 13 December 2019. Collection method: clinical testing. Allele origin: germline.
Comment: This variant was observed in the ICSL laboratory as part of a predisposition screen in an ostensibly healthy population. It had not been previously curated by ICSL or reported in the Human Gene Mutation Database (HGMD: prior to June 1st, 2018), and was therefore a candidate for classification through an automated scoring system. Utilizing variant allele frequency, disease prevalence and penetrance estimates, and inheritance mode, an automated score was calculated to assess if this variant is too frequent to cause the disease. Based on the score and internal cut-off values, a variant classified as benign is not then subjected to further curation. The score for this variant resulted in a classification of benign for this disease.

NM_133433.4(NIPBL):c.-307C>T

Gene: NIPBL (NIPBL cohesin loading factor; plus strand). Cytogenetic location: 5p13.2.
Variant type: single nucleotide variant.
Coding change: c.-307C>T on transcript NM_133433.4 (MANE Select); 307 bases upstream of the start codon, C replaced by T.
Molecular consequence: 5 prime UTR variant.
Genome position (GRCh38, 1-based): chr5:36,876,951, C>T. VCF-style: chr5-36876951-C-T. GRCh37 (hg19) VCF-style: chr5-36877053-C-T.
Other names: c.-307C>T (NM_015384.5).
Identifiers: ClinVar variation 353367 (VCV000353367.6), dbSNP rs377354585, ClinGen allele CA10621717.
Genomic context (GRCh38, chr5:36,876,951, plus strand): 5'-GACGCCCCCGCCGACAGGAGAATTGGTTCCCGGGCCCGCGGCGATGCCCCCCCGGTAGCT[C>T]GGGCCCGTGGTCGGGTGTTTGTGAGTGTTTCTATGTGGGAGAAGGAGGAGGAGGAGGAAG-3'